The following is an entry in ClinVar:

NM_001042603.3(KDM5A):c.1407G>A (p.Pro469=)

Gene: KDM5A (lysine demethylase 5A; minus strand). Cytogenetic location: 12p13.33.
Variant type: single nucleotide variant.
Coding change: c.1407G>A on transcript NM_001042603.3 (MANE Select); coding-DNA position 1407, G replaced by A.
Protein change: p.Pro469=; no amino-acid change (proline 469 retained).
Molecular consequence: synonymous variant.
Genome position (GRCh38, 1-based): chr12:334,324, C>T on the plus strand (G>A on the coding strand, the complement: KDM5A is on the minus strand). VCF-style: chr12-334324-C-T. GRCh37 (hg19) VCF-style: chr12-443490-C-T.
Identifiers: ClinVar variation 4083940 (VCV004083940.8).

ClinVar aggregate classification (germline): Likely benign (1 of 4 stars; one submission).

Submission:

CeGaT Center for Human Genetics Tuebingen
Classification: Likely benign. Last evaluated: 2025-07-01. Review status: criteria provided, single submitter. Criteria: CeGaT Center For Human Genetics Tuebingen Variant Classification Criteria Version 2. Collection method: clinical testing. Allele origin: germline. Affected: yes. Observed: 1 variant allele.
Comment: KDM5A: BP4, BP7